The following is an entry in ClinVar:

NM_000350.3(ABCA4):c.4313C>T (p.Pro1438Leu)

Gene: ABCA4 (ATP binding cassette subfamily A member 4; minus strand). Cytogenetic location: 1p22.1.
Variant type: single nucleotide variant.
Coding change: c.4313C>T on transcript NM_000350.3 (MANE Select); coding-DNA position 4313, C replaced by T.
Protein change: p.Pro1438Leu; replaces proline 1438 with leucine.
Molecular consequence: missense variant.
Genome position (GRCh38, 1-based): chr1:94,030,467, G>A on the plus strand (C>T on the coding strand, the complement: ABCA4 is on the minus strand). VCF-style: chr1-94030467-G-A. GRCh37 (hg19) VCF-style: chr1-94496023-G-A.
Other names: c.4091C>T, p.Pro1364Leu (NM_001425324.1); short protein forms P1364L, P1438L.
Identifiers: ClinVar variation 2772849 (VCV002772849.3), dbSNP rs774582644, ClinGen allele CA341285753.

ClinVar aggregate classification (germline): Likely pathogenic (1 of 4 stars; one submission).

Submission:

Labcorp Genetics (formerly Invitae), Labcorp
Classification: Likely pathogenic. Last evaluated: 2023-10-29. Review status: criteria provided, single submitter. Criteria: Invitae Variant Classification Sherloc (09022015). Collection method: clinical testing. Allele origin: germline.
Comment: This sequence change replaces proline, which is neutral and non-polar, with leucine, which is neutral and non-polar, at codon 1438 of the ABCA4 protein (p.Pro1438Leu). This variant is not present in population databases (gnomAD no frequency). This variant has not been reported in the literature in individuals affected with ABCA4-related conditions. Advanced modeling of protein sequence and biophysical properties (such as structural, functional, and spatial information, amino acid conservation, physicochemical variation, residue mobility, and thermodynamic stability) performed at Invitae indicates that this missense variant is expected to disrupt ABCA4 protein function with a positive predictive value of 95%. Algorithms developed to predict the effect of sequence changes on RNA splicing suggest that this variant may disrupt the consensus splice site. This variant disrupts the p.Pro1438 amino acid residue in ABCA4. Other variant(s) that disrupt this residue have been determined to be pathogenic (PMID: 29925512, 32037395). This suggests that this residue is clinically significant, and that variants that disrupt this residue are likely to be disease-causing. In summary, the currently available evidence indicates that the variant is pathogenic, but additional data are needed to prove that conclusively. Therefore, this variant has been classified as Likely Pathogenic.

Literature cited by the submitters: PubMed 29925512; PubMed 32037395.